The following is an entry in ClinVar:

ClinVar aggregate classification (germline): Uncertain significance (1 of 4 stars; one submission).

Conditions:
Acrocallosal syndrome (ACLS). Also called: HALLUX DUPLICATION, POSTAXIAL POLYDACTYLY, AND ABSENCE OF CORPUS CALLOSUM; Schinzel syndrome 1; Absence of corpus callosum with unusual facial appearance, mental deficiency, duplication of the halluces and polydactyly. Identifiers: Orphanet 36, MedGen C0796147, MONDO:0008708, OMIM 200990.

Allele frequency attached by ClinVar (database versions not stated): ExAC 0.00002; gnomAD 0.00003; gnomAD exomes 0.00003; TOPMed 0.00004.
gnomAD v4.1: 39 of 1,607,594 alleles (0.0024%); highest among the groups gnomAD compares: African/African-American, 0.0053%; no homozygotes.

Submission:

Labcorp Genetics (formerly Invitae), Labcorp
Classification: Uncertain significance for Acrocallosal syndrome. Last evaluated: 2022-02-28. Review status: criteria provided, single submitter. Criteria: Invitae Variant Classification Sherloc (09022015). Collection method: clinical testing. Allele origin: germline.
Comment: This variant has not been reported in the literature in individuals affected with KIF7-related conditions. This sequence change replaces arginine, which is basic and polar, with glutamine, which is neutral and polar, at codon 859 of the KIF7 protein (p.Arg859Gln). The frequency data for this variant in the population databases is considered unreliable, as metrics indicate poor data quality at this position in the gnomAD database. Algorithms developed to predict the effect of missense changes on protein structure and function are either unavailable or do not agree on the potential impact of this missense change (SIFT: "Deleterious"; PolyPhen-2: "Benign"; Align-GVGD: "Class C35"). In summary, the available evidence is currently insufficient to determine the role of this variant in disease. Therefore, it has been classified as a Variant of Uncertain Significance.

NM_198525.3(KIF7):c.2576G>A (p.Arg859Gln)

Gene: KIF7 (kinesin family member 7; minus strand). Cytogenetic location: 15q26.1.
Variant type: single nucleotide variant.
Coding change: c.2576G>A on transcript NM_198525.3 (MANE Select); coding-DNA position 2576, G replaced by A.
Protein change: p.Arg859Gln; replaces arginine 859 with glutamine.
Molecular consequence: missense variant.
Genome position (GRCh38, 1-based): chr15:89,633,702, C>T on the plus strand (G>A on the coding strand, the complement: KIF7 is on the minus strand). VCF-style: chr15-89633702-C-T. GRCh37 (hg19) VCF-style: chr15-90176933-C-T.
Other names: short protein forms R859Q.
Identifiers: ClinVar variation 2200251 (VCV002200251.3), dbSNP rs753215849, ClinGen allele CA7728094.
Genomic context (GRCh38, chr15:89,633,702, plus strand): 5'-CTATTGGCCTGGACAGAAGGTCCCCACCCTGCCGTGAGCCTGACCTTGACGCGGTGCTGC[C>T]GCTTGCTCATTTCTGCCTCCAGGCGCCGCTTCTGCTCCGTCTCCTCGCGAAGCCGCCTCT-3'
Protein context (NP_940927.2, residues 849-869): KRRLEAEMSK[Arg859Gln]QHRVKELELK